The following is an entry in ClinVar:

NM_138576.4(BCL11B):c.2227_2238dup (p.Glu746_Asn747insHisSerSerGlu)

Gene: BCL11B (BCL11 transcription factor B; minus strand). Cytogenetic location: 14q32.2.
Variant type: Duplication.
Coding change: c.2227_2238dup on transcript NM_138576.4 (MANE Select); coding-DNA positions 2227 to 2238, 12 bases duplicated (CACTCGTCCGAG).
Protein change: p.Glu746_Asn747insHisSerSerGlu.
Molecular consequence: inframe insertion.
Genome position (GRCh38, 1-based): chr14:99,174,598-99,174,609, CTCGGACGAGTG duplicated on the plus strand (CACTCGTCCGAG on the coding strand, the reverse complement: BCL11B is on the minus strand); duplicating any 12 consecutive bases within chr14:99,174,598-99,174,618 gives the same sequence; the c. name uses the placement nearest the transcript's 3' end. VCF-style (leftmost placement, unchanged base first): chr14-99174597-T-TCTCGGACGAGTG. GRCh37 (hg19) VCF-style: chr14-99640934-T-TCTCGGACGAGTG.
Other names: c.2224_2235dup, p.Glu745_Asn746insHisSerSerGlu (NM_001282237.2); c.2011_2022dup, p.Glu674_Asn675insHisSerSerGlu (NM_001282238.2); c.2014_2025dup, p.Glu675_Asn676insHisSerSerGlu (NM_022898.3).
Identifiers: ClinVar variation 5009882 (VCV005009882.1).

ClinVar aggregate classification (germline): Uncertain significance (1 of 4 stars; one submission).

Submission:

GeneDx
Classification: Uncertain significance. Last evaluated: 2026-02-20. Review status: criteria provided, single submitter. Criteria: GeneDx Variant Classification Process June 2021. Collection method: clinical testing. Allele origin: germline.
Comment: Not observed at significant frequency in large population cohorts (gnomAD); In-frame duplication of 4 amino acid(s) in a non-repeat region; Has not been previously published as pathogenic or benign to our knowledge